The following is an entry in ClinVar:

NM_006231.4(POLE):c.1726A>G (p.Lys576Glu)

Gene: POLE (DNA polymerase epsilon, catalytic subunit; minus strand). Cytogenetic location: 12q24.33.
Variant type: single nucleotide variant.
Coding change: c.1726A>G on transcript NM_006231.4 (MANE Select); coding-DNA position 1726, A replaced by G.
Protein change: p.Lys576Glu; replaces lysine 576 with glutamic acid.
Molecular consequence: missense variant.
Genome position (GRCh38, 1-based): chr12:132,672,283, T>C on the plus strand (A>G on the coding strand, the complement: POLE is on the minus strand). VCF-style: chr12-132672283-T-C. GRCh37 (hg19) VCF-style: chr12-133248869-T-C.
Other names: c.1726A>G (NM_006231.2); short protein forms K576E.
Identifiers: ClinVar variation 582944 (VCV000582944.12), dbSNP rs745745342, ClinGen allele CA6893848.

ClinVar aggregate classification (germline): Uncertain significance. Review status: criteria provided, multiple submitters, no conflicts (2 of 4 stars). 2 submissions from 2 submitters: Uncertain significance (2). Last evaluated 2025-07-09.

Conditions:
Hereditary cancer-predisposing syndrome. Also called: Neoplastic Syndromes, Hereditary; Hereditary Cancer Syndrome; Tumor predisposition; Hereditary neoplastic syndrome. Identifiers: Orphanet 140162, MedGen C0027672, MeSH D009386, MONDO:0015356.

Allele frequency attached by ClinVar (database versions not stated): gnomAD exomes below 0.00001; ExAC 0.00001.
gnomAD v4.1: 2 of 1,614,230 alleles (0.00012%); highest among the groups gnomAD compares: Non-Finnish European, 0.00017%; no homozygotes.

Submissions (2):

Labcorp Genetics (formerly Invitae), Labcorp
Classification: Uncertain significance. Last evaluated: 2025-07-09. Review status: criteria provided, single submitter. Criteria: Invitae Variant Classification Sherloc (09022015). Collection method: clinical testing. Allele origin: germline.
Comment: This sequence change replaces lysine, which is basic and polar, with glutamic acid, which is acidic and polar, at codon 576 of the POLE protein (p.Lys576Glu). This variant is present in population databases (rs745745342, gnomAD 0.0009%). This variant has not been reported in the literature in individuals affected with POLE-related conditions. ClinVar contains an entry for this variant (Variation ID: 582944). Invitae Evidence Modeling of protein sequence and biophysical properties (such as structural, functional, and spatial information, amino acid conservation, physicochemical variation, residue mobility, and thermodynamic stability) indicates that this missense variant is not expected to disrupt POLE protein function with a negative predictive value of 80%. In summary, the available evidence is currently insufficient to determine the role of this variant in disease. Therefore, it has been classified as a Variant of Uncertain Significance.

Ambry Genetics
Classification: Uncertain significance for Hereditary cancer-predisposing syndrome. Last evaluated: 2025-04-07. Review status: criteria provided, single submitter. Criteria: Ambry Variant Classification Scheme 2023. Collection method: clinical testing. Allele origin: germline.
Comment: The p.K576E variant (also known as c.1726A>G), located in coding exon 16 of the POLE gene, results from an A to G substitution at nucleotide position 1726. The lysine at codon 576 is replaced by glutamic acid, an amino acid with similar properties. This amino acid position is conserved. In addition, this alteration is predicted to be tolerated by in silico analysis. Based on the available evidence, the clinical significance of this variant remains unclear.